The following is an entry in ClinVar:

ClinVar aggregate classification (germline): Likely benign. Review status: criteria provided, multiple submitters, no conflicts (2 of 4 stars). 3 submissions from 3 submitters: Likely benign (3). Last evaluated 2026-02-01.

Conditions:
Spastic paraplegia. Identifiers: MedGen C0037772, HP:0001258.
Hereditary spastic paraplegia 15 (SPG15). Also called: SPASTIC PARAPLEGIA 15, AUTOSOMAL RECESSIVE; KJELLIN SYNDROME; SPASTIC PARAPLEGIA AND RETINAL DEGENERATION. Identifiers: Orphanet 100996, MedGen C1849128, MONDO:0010044, OMIM 270700.

Allele frequency attached by ClinVar (database versions not stated): gnomAD 0.00007 and 0.00009; gnomAD exomes 0.00014 and 0.00076; 1000 Genomes Project 0.00020; 1000 Genomes Project 30x 0.00031; TOPMed 0.00032; ExAC 0.00082.

Submissions (3):

Labcorp Genetics (formerly Invitae), Labcorp
Classification: Likely benign for Spastic paraplegia. Last evaluated: 2026-02-01. Review status: criteria provided, single submitter. Criteria: Invitae Variant Classification Sherloc (09022015). Collection method: clinical testing. Allele origin: germline.

Fulgent Genetics
Classification: Likely benign for Hereditary spastic paraplegia 15. Last evaluated: 2021-07-07. Review status: criteria provided, single submitter. Criteria: ACMG Guidelines, 2015. Collection method: clinical testing. Allele origin: unknown.

GeneDx
Classification: Likely benign. Last evaluated: 2016-03-05. Review status: criteria provided, single submitter. Criteria: GeneDx Variant Classification (06012015). Collection method: clinical testing. Allele origin: germline. Affected: yes.
Comment: This variant is considered likely benign or benign based on one or more of the following criteria: it is a conservative change, it occurs at a poorly conserved position in the protein, it is predicted to be benign by multiple in silico algorithms, and/or has population frequency not consistent with disease.

NM_015346.4(ZFYVE26):c.991A>G (p.Asn331Asp)

Gene: ZFYVE26 (zinc finger FYVE-type containing 26; minus strand). Cytogenetic location: 14q24.1.
Variant type: single nucleotide variant.
Coding change: c.991A>G on transcript NM_015346.4 (MANE Select); coding-DNA position 991, A replaced by G.
Protein change: p.Asn331Asp; replaces asparagine 331 with aspartic acid.
Molecular consequence: missense variant.
Genome position (GRCh38, 1-based): chr14:67,806,571, T>C on the plus strand (A>G on the coding strand, the complement: ZFYVE26 is on the minus strand). VCF-style: chr14-67806571-T-C. GRCh37 (hg19) VCF-style: chr14-68273288-T-C.
Other names: short protein forms N331D.
Identifiers: ClinVar variation 215891 (VCV000215891.13), dbSNP rs199630965, ClinGen allele CA339255.